The following is an entry in ClinVar:

ClinVar aggregate classification (germline): Conflicting classifications of pathogenicity. Review status: criteria provided, conflicting classifications (1 of 4 stars). 3 submissions from 3 submitters: Uncertain significance (2); Benign (1). Last evaluated 2025-08-08.

Conditions:
Spondyloperipheral dysplasia. Also called: SPONDYLOPERIPHERAL DYSPLASIA WITH SHORT ULNA; Spondyloperipheral dysplasia-short ulna syndrome. Identifiers: Orphanet 1856, MedGen C0796173, MONDO:0010078, OMIM 271700.

Allele frequency attached by ClinVar (database versions not stated): gnomAD exomes below 0.00001 and 0.00001; TOPMed 0.00001; gnomAD 0.00003.
gnomAD v4.1: 19 of 1,613,974 alleles (0.0012%); highest among the groups gnomAD compares: African/African-American, 0.0053%; no homozygotes.

Submissions (3):

Labcorp Genetics (formerly Invitae), Labcorp
Classification: Benign. Last evaluated: 2025-08-08. Review status: criteria provided, single submitter. Criteria: Invitae Variant Classification Sherloc (09022015). Collection method: clinical testing. Allele origin: germline.

GeneDx
Classification: Uncertain significance. Last evaluated: 2023-11-09. Review status: criteria provided, single submitter. Criteria: GeneDx Variant Classification Process June 2021. Collection method: clinical testing. Allele origin: germline. Affected: yes.
Comment: Has not been previously published as pathogenic or benign to our knowledge; In silico analysis supports that this missense variant has a deleterious effect on protein structure/function; Not located in the triple helical region, where the majority of pathogenic missense variants occur (HGMD)

Laboratory of Medical Genetics, National & Kapodistrian University of Athens
Classification: Uncertain significance for Spondyloperipheral dysplasia. Last evaluated: 2021-10-06. Review status: criteria provided, single submitter. Criteria: ACMG Guidelines, 2015. Collection method: clinical testing. Allele origin: paternal.
Comment: PM2, PP2, PP3

NM_001844.5(COL2A1):c.4432G>A (p.Gly1478Ser)

Gene: COL2A1 (collagen type II alpha 1 chain; minus strand). Cytogenetic location: 12q13.11.
Variant type: single nucleotide variant.
Coding change: c.4432G>A on transcript NM_001844.5 (MANE Select); coding-DNA position 4432, G replaced by A.
Protein change: p.Gly1478Ser; replaces glycine 1478 with serine.
Molecular consequence: missense variant.
Genome position (GRCh38, 1-based): chr12:47,973,439, C>T on the plus strand (G>A on the coding strand, the complement: COL2A1 is on the minus strand). VCF-style: chr12-47973439-C-T. GRCh37 (hg19) VCF-style: chr12-48367222-C-T.
Other names: c.4225G>A, p.Gly1409Ser (NM_033150.3); c.4432G>A (NM_001844.4); short protein forms G1409S, G1478S.
Identifiers: ClinVar variation 1299619 (VCV001299619.7), dbSNP rs1400762548, ClinGen allele CA384533132.